The following is an entry in ClinVar:

ClinVar aggregate classification (germline): Likely pathogenic (1 of 4 stars; one submission).

Conditions:
Galactosemia. Also called: Galactose intolerance. Identifiers: Orphanet 352, MedGen C0016952, MONDO:0018116, HP:0004919. Disease mechanism: loss of function.

Submission:

Natera, Inc.
Classification: Likely pathogenic for Galactosemia. Last evaluated: 2025-05-11. Review status: criteria provided, single submitter. Criteria: Natera Variant Classification Schema (03/2026). Collection method: clinical testing. Allele origin: germline.
Comment: The c.719T>G variant in GALT is a nonsense variant predicted to introduce a stop codon at amino acid 240. This variant is expected to result in nonsense mediated decay, truncation, or a dysfunctional protein product. This variant is rare in the general population with a frequency below the threshold expected for the associated phenotype(s). Given the available evidence, this variant is classified as Likely Pathogenic.

NM_000155.4(GALT):c.719T>G (p.Leu240Ter)

Gene: GALT (galactose-1-phosphate uridylyltransferase; plus strand). Cytogenetic location: 9p13.3.
Variant type: single nucleotide variant.
Coding change: c.719T>G on transcript NM_000155.4 (MANE Select); coding-DNA position 719, T replaced by G.
Protein change: p.Leu240Ter; replaces leucine 240 with a stop codon.
Molecular consequence: nonsense.
Genome position (GRCh38, 1-based): chr9:34,648,793, T>G. VCF-style: chr9-34648793-T-G. GRCh37 (hg19) VCF-style: chr9-34648790-T-G.
Other names: c.392T>G, p.Leu131Ter (NM_001258332.2); short protein forms L131*, L240*.
Identifiers: ClinVar variation 4068268 (VCV004068268.2).